The following is an entry in ClinVar:

NM_000234.3(LIG1):c.2252A>C (p.Asp751Ala)

Gene: LIG1 (DNA ligase 1; minus strand). Cytogenetic location: 19q13.33.
Variant type: single nucleotide variant.
Coding change: c.2252A>C on transcript NM_000234.3 (MANE Select); coding-DNA position 2252, A replaced by C.
Protein change: p.Asp751Ala; replaces aspartic acid 751 with alanine.
Molecular consequence: missense variant. On other transcripts: non-coding transcript variant (6).
Genome position (GRCh38, 1-based): chr19:48,121,303, T>G on the plus strand (A>C on the coding strand, the complement: LIG1 is on the minus strand). VCF-style: chr19-48121303-T-G. GRCh37 (hg19) VCF-style: chr19-48624560-T-G.
Other names: c.2159A>C, p.Asp720Ala (NM_001289063.2); c.2048A>C, p.Asp683Ala (NM_001289064.2); c.2249A>C, p.Asp750Ala (NM_001320970.2); c.2162A>C, p.Asp721Ala (NM_001320971.2); short protein forms D683A, D720A, D721A, D750A, D751A.
Identifiers: ClinVar variation 1000992 (VCV001000992.8), dbSNP rs2033254015, ClinGen allele CA406642494.

ClinVar aggregate classification (germline): Uncertain significance (1 of 4 stars; one submission).

gnomAD v4.1: 2 of 1,606,388 alleles (0.00012%); highest among the groups gnomAD compares: South Asian, 0.0011%; no homozygotes.

Submission:

Labcorp Genetics (formerly Invitae), Labcorp
Classification: Uncertain significance. Last evaluated: 2022-09-07. Review status: criteria provided, single submitter. Criteria: Invitae Variant Classification Sherloc (09022015). Collection method: clinical testing. Allele origin: germline.
Comment: ClinVar contains an entry for this variant (Variation ID: 1000992). In summary, the available evidence is currently insufficient to determine the role of this variant in disease. Therefore, it has been classified as a Variant of Uncertain Significance. Algorithms developed to predict the effect of missense changes on protein structure and function are either unavailable or do not agree on the potential impact of this missense change (SIFT: "Deleterious"; PolyPhen-2: "Benign"; Align-GVGD: "Class C0"). This variant has not been reported in the literature in individuals affected with LIG1-related conditions. This variant is not present in population databases (gnomAD no frequency). This sequence change replaces aspartic acid, which is acidic and polar, with alanine, which is neutral and non-polar, at codon 751 of the LIG1 protein (p.Asp751Ala).